The following is an entry in ClinVar:

ClinVar aggregate classification (germline): Uncertain significance (1 of 4 stars; one submission).

gnomAD v4.1: 3 of 1,607,190 alleles (0.00019%); no homozygotes.

Submission:

Labcorp Genetics (formerly Invitae), Labcorp
Classification: Uncertain significance. Last evaluated: 2024-03-10. Review status: criteria provided, single submitter. Criteria: Invitae Variant Classification Sherloc (09022015). Collection method: clinical testing. Allele origin: germline.
Comment: This sequence change replaces alanine, which is neutral and non-polar, with glutamic acid, which is acidic and polar, at codon 640 of the GUF1 protein (p.Ala640Glu). This variant is not present in population databases (gnomAD no frequency). This variant has not been reported in the literature in individuals affected with GUF1-related conditions. ClinVar contains an entry for this variant (Variation ID: 1348512). An algorithm developed to predict the effect of missense changes on protein structure and function (PolyPhen-2) suggests that this variant is likely to be disruptive. In summary, the available evidence is currently insufficient to determine the role of this variant in disease. Therefore, it has been classified as a Variant of Uncertain Significance.

NM_021927.3(GUF1):c.1919C>A (p.Ala640Glu)

Gene: GUF1 (GTP binding elongation factor GUF1; plus strand). Cytogenetic location: 4p12.
Variant type: single nucleotide variant.
Coding change: c.1919C>A on transcript NM_021927.3 (MANE Select); coding-DNA position 1919, C replaced by A.
Protein change: p.Ala640Glu; replaces alanine 640 with glutamic acid.
Molecular consequence: missense variant.
Genome position (GRCh38, 1-based): chr4:44,698,590, C>A. VCF-style: chr4-44698590-C-A. GRCh37 (hg19) VCF-style: chr4-44700607-C-A.
Other names: c.947C>A, p.Ala316Glu (NM_001345867.2, NM_001345869.2); c.1799C>A, p.Ala600Glu (NM_001345868.2); short protein forms A640E, A316E, A600E.
Identifiers: ClinVar variation 1348512 (VCV001348512.6), dbSNP rs370269156, ClinGen allele CA96525239.